The following is an entry in ClinVar:

ClinVar aggregate classification (germline): Benign (0 of 4 stars; one submission).

Conditions:
NOS1-related disorder. Also called: NOS1-related condition.

Allele frequency attached by ClinVar (database versions not stated): gnomAD exomes 0.20779; ESP Exome Variant Server 0.21515; ExAC 0.22109; gnomAD 0.22642; TOPMed 0.23040; 1000 Genomes Project 30x 0.25281; 1000 Genomes Project 0.25839.
gnomAD v4.1: 339,328 of 1,611,444 alleles (21%); highest among the groups gnomAD compares: East Asian, 33%; 36,971 homozygotes.

Submission:

PreventionGenetics, part of Exact Sciences
Classification: Benign for NOS1-related condition. Last evaluated: 2019-10-17. Review status: no assertion criteria provided. Collection method: clinical testing. Allele origin: germline.
Comment: This variant is classified as benign based on ACMG/AMP sequence variant interpretation guidelines (Richards et al. 2015 PMID: 25741868, with internal and published modifications).

NM_000620.5(NOS1):c.3258C>T (p.Asp1086=)

Gene: NOS1 (nitric oxide synthase 1; minus strand). Cytogenetic location: 12q24.22.
Variant type: single nucleotide variant.
Coding change: c.3258C>T on transcript NM_000620.5 (MANE Select); coding-DNA position 3258, C replaced by T.
Protein change: p.Asp1086=; no amino-acid change (aspartic acid 1086 retained).
Molecular consequence: synonymous variant.
Genome position (GRCh38, 1-based): chr12:117,232,109, G>A on the plus strand (C>T on the coding strand, the complement: NOS1 is on the minus strand). VCF-style: chr12-117232109-G-A. GRCh37 (hg19) VCF-style: chr12-117669914-G-A.
Other names: c.2250C>T, p.Asp750= (NM_001204213.2, NM_001204214.2); c.3360C>T, p.Asp1120= (NM_001204218.2).
Identifiers: ClinVar variation 3061017 (VCV003061017.2), dbSNP rs3741475, ClinGen allele CA6814550.